The following is an entry in ClinVar:

NM_003482.4(KMT2D):c.7864G>A (p.Asp2622Asn)

Gene: KMT2D (lysine methyltransferase 2D; minus strand). Cytogenetic location: 12q13.12.
Variant type: single nucleotide variant.
Coding change: c.7864G>A on transcript NM_003482.4 (MANE Select); coding-DNA position 7864, G replaced by A.
Protein change: p.Asp2622Asn; replaces aspartic acid 2622 with asparagine.
Molecular consequence: missense variant.
Genome position (GRCh38, 1-based): chr12:49,039,906, C>T on the plus strand (G>A on the coding strand, the complement: KMT2D is on the minus strand). VCF-style: chr12-49039906-C-T. GRCh37 (hg19) VCF-style: chr12-49433689-C-T.
Other names: short protein forms D2622N.
Identifiers: ClinVar variation 2954597 (VCV002954597.4), dbSNP rs760968358, ClinGen allele CA6546976.

ClinVar aggregate classification (germline): Benign. Review status: criteria provided, single submitter (1 of 4 stars). 2 submissions from 2 submitters: Benign (1). 1 of the submissions does not count toward it. Last evaluated 2024-07-20.

Conditions:
KMT2D-related disorder. Also called: KMT2D-Related Disorders.
Kabuki syndrome. Also called: NIIKAWA-KUROKI SYNDROME; Kabuki make-up syndrome. Identifiers: Orphanet 2322, MedGen C0796004, MONDO:0016512.

Allele frequency attached by ClinVar (database versions not stated): TOPMed below 0.00001; gnomAD 0.00002; gnomAD exomes 0.00002; ExAC 0.00003.
gnomAD v4.1: 27 of 1,613,996 alleles (0.0017%); highest among the groups gnomAD compares: South Asian, 0.014%; no homozygotes.

Submissions (2):

Labcorp Genetics (formerly Invitae), Labcorp
Classification: Benign for Kabuki syndrome. Last evaluated: 2024-07-20. Review status: criteria provided, single submitter. Criteria: Invitae Variant Classification Sherloc (09022015). Collection method: clinical testing. Allele origin: germline.

PreventionGenetics, part of Exact Sciences
Classification: Uncertain significance for KMT2D-related condition. Last evaluated: 2024-08-01. Review status: no assertion criteria provided. Collection method: clinical testing. Allele origin: germline. Not counted in ClinVar's aggregate classification.
Comment: The KMT2D c.7864G>A variant is predicted to result in the amino acid substitution p.Asp2622Asn. To our knowledge, this variant has not been reported in the literature. This variant is reported in 0.0098% of alleles in individuals of South Asian descent in gnomAD. Although we suspect that this variant may be benign, at this time, the clinical significance of this variant is uncertain due to the absence of conclusive functional and genetic evidence.